The following is an entry in ClinVar:

ClinVar aggregate classification (germline): Uncertain significance. Review status: criteria provided, multiple submitters, no conflicts (2 of 4 stars). 2 submissions from 2 submitters: Uncertain significance (2). Last evaluated 2025-12-02.

Conditions:
Hereditary cancer-predisposing syndrome. Also called: Neoplastic Syndromes, Hereditary; Tumor predisposition; Hereditary Cancer Syndrome; Hereditary neoplastic syndrome. Identifiers: Orphanet 140162, MedGen C0027672, MeSH D009386, MONDO:0015356.

Allele frequency attached by ClinVar (database versions not stated): gnomAD exomes below 0.00001 and 0.00001; ExAC 0.00001; TOPMed 0.00002; gnomAD 0.00003.
gnomAD v4.1: 8 of 1,614,008 alleles (0.0005%); highest among the groups gnomAD compares: African/African-American, 0.004%; no homozygotes.

Submissions (2):

Ambry Genetics
Classification: Uncertain significance for Hereditary cancer-predisposing syndrome. Last evaluated: 2025-12-02. Review status: criteria provided, single submitter. Criteria: Ambry Variant Classification Scheme 2023. Collection method: clinical testing. Allele origin: germline.
Comment: The p.I1293V variant (also known as c.3877A>G), located in coding exon 25 of the RAD50 gene, results from an A to G substitution at nucleotide position 3877. The isoleucine at codon 1293 is replaced by valine, an amino acid with highly similar properties. In one study, this variant was reported in 1/60,466 breast cancer cases as well as 1/53,461 controls (Dorling et al. N Engl J Med. 2021 02;384:428-439). This amino acid position is not well conserved in available vertebrate species. In addition, this alteration is predicted to be tolerated by in silico analysis. Since supporting evidence is limited at this time, the clinical significance of this alteration remains unclear.

Labcorp Genetics (formerly Invitae), Labcorp
Classification: Uncertain significance for Hereditary cancer-predisposing syndrome. Last evaluated: 2024-06-17. Review status: criteria provided, single submitter. Criteria: Invitae Variant Classification Sherloc (09022015). Collection method: clinical testing. Allele origin: germline.
Comment: This sequence change replaces isoleucine, which is neutral and non-polar, with valine, which is neutral and non-polar, at codon 1293 of the RAD50 protein (p.Ile1293Val). The frequency data for this variant in the population databases is considered unreliable, as metrics indicate poor data quality at this position in the gnomAD database. This variant has not been reported in the literature in individuals affected with RAD50-related conditions. ClinVar contains an entry for this variant (Variation ID: 233771). Advanced modeling of protein sequence and biophysical properties (such as structural, functional, and spatial information, amino acid conservation, physicochemical variation, residue mobility, and thermodynamic stability) performed at Invitae indicates that this missense variant is not expected to disrupt RAD50 protein function with a negative predictive value of 80%. In summary, the available evidence is currently insufficient to determine the role of this variant in disease. Therefore, it has been classified as a Variant of Uncertain Significance.

Literature cited by the submitters: PubMed 33471991 (cited by Ambry Genetics).

NM_005732.4(RAD50):c.3877A>G (p.Ile1293Val)

Genes: RAD50 (RAD50 double strand break repair protein; plus strand), TH2LCRR (T helper type 2 locus control region associated RNA; minus strand). Cytogenetic location: 5q31.1.
Variant type: single nucleotide variant.
Coding change: c.3877A>G on transcript NM_005732.4 (MANE Select); coding-DNA position 3877, A replaced by G.
Protein change: p.Ile1293Val; replaces isoleucine 1293 with valine.
Molecular consequence: missense variant.
Genome position (GRCh38, 1-based): chr5:132,642,302, A>G. VCF-style: chr5-132642302-A-G. GRCh37 (hg19) VCF-style: chr5-131977994-A-G.
Other names: short protein forms I1293V.
Identifiers: ClinVar variation 233771 (VCV000233771.15), dbSNP rs762702502, ClinGen allele CA3405690.